The following is an entry in ClinVar:

NM_001388492.1(HTT):c.8838C>T (p.Pro2946=)

Gene: HTT (huntingtin; plus strand). Cytogenetic location: 4p16.3.
Variant type: single nucleotide variant.
Coding change: c.8838C>T on transcript NM_001388492.1 (MANE Select); coding-DNA position 8838, C replaced by T.
Protein change: p.Pro2946=; no amino-acid change (proline 2946 retained).
Molecular consequence: synonymous variant.
Genome position (GRCh38, 1-based): chr4:3,236,201, C>T. VCF-style: chr4-3236201-C-T. GRCh37 (hg19) VCF-style: chr4-3237928-C-T.
Other names: c.8844C>T, p.Pro2948= (NM_002111.8).
Identifiers: ClinVar variation 1588018 (VCV001588018.9), dbSNP rs372373063, ClinGen allele CA2825820.

ClinVar aggregate classification (germline): Likely benign. Review status: criteria provided, multiple submitters, no conflicts (2 of 4 stars). 2 submissions from 2 submitters: Likely benign (2). Last evaluated 2024-03-11.

Conditions:
HTT-related disorder. Also called: HTT-related condition.

Allele frequency attached by ClinVar (database versions not stated): ExAC 0.00001; gnomAD 0.00001; gnomAD exomes 0.00001 and 0.00002; TOPMed 0.00002; ESP Exome Variant Server 0.00008.
gnomAD v4.1: 30 of 1,614,074 alleles (0.0019%); highest among the groups gnomAD compares: African/African-American, 0.004%; no homozygotes.

Submissions (2):

Labcorp Genetics (formerly Invitae), Labcorp
Classification: Likely benign. Last evaluated: 2024-03-11. Review status: criteria provided, single submitter. Criteria: Invitae Variant Classification Sherloc (09022015). Collection method: clinical testing. Allele origin: germline.

PreventionGenetics, part of Exact Sciences
Classification: Likely benign for HTT-related condition. Last evaluated: 2020-08-21. Review status: criteria provided, single submitter. Criteria: ACMG Guidelines, 2015. Collection method: clinical testing. Allele origin: germline.
Comment: This variant is classified as likely benign based on ACMG/AMP sequence variant interpretation guidelines (Richards et al. 2015 PMID: 25741868, with internal and published modifications).